The following is an entry in ClinVar:

ClinVar aggregate classification (germline): Likely pathogenic. Review status: criteria provided, single submitter (1 of 4 stars). 3 submissions from 3 submitters: Likely pathogenic (1). 2 of the submissions do not count toward it. Last evaluated 2025-12-18.

Conditions:
Osteogenesis imperfecta type 15. Also called: WNT1-related osteogenesis imperfecta; Osteogenesis imperfecta, type xv; OI, TYPE XV. Identifiers: Orphanet 666, MedGen C3808844, MONDO:0014086, OMIM 615220.
Keratoconus (KC). Identifiers: MedGen C0022578, MeSH D007640, MONDO:0015486, HP:0000563.
Osteogenesis imperfecta (OI). Identifiers: Orphanet 666, MedGen C0029434, MeSH D010013, MONDO:0019019.

Allele frequency attached by ClinVar (database versions not stated): gnomAD exomes below 0.00001; TOPMed below 0.00001.
gnomAD v4.1: 1 of 1,497,496 alleles (0.000067%); highest among the groups gnomAD compares: Non-Finnish European, 0.000089%; no homozygotes.

Submissions (3):

Women's Health and Genetics/Laboratory Corporation of America, LabCorp
Classification: Likely pathogenic for Osteogenesis imperfecta. Last evaluated: 2025-12-18. Review status: criteria provided, single submitter. Criteria: LabCorp Variant Classification Summary - May 2015. Collection method: clinical testing. Allele origin: germline.
Comment: Variant summary: WNT1 c.1063G>T (p.Val355Phe) results in a non-conservative amino acid change in the encoded protein sequence. Algorithms developed to predict the effect of missense changes on protein structure and function all suggest that this variant is likely to be disruptive. The variant was absent in 108992 control chromosomes. c.1063G>T has been observed in individuals affected with Osteogenesis Imperfecta (e.g. Fahiminiya_2013, Bardai_2016). At least one publication reports experimental evidence evaluating an impact on protein function. The most pronounced variant effect resulted in <10% of normal ability to stimulate WNT signalling (Palomo_2014). The following publications have been ascertained in the context of this evaluation (PMID: 25010833, 27509835, 23434763). ClinVar contains an entry for this variant (Variation ID: 50262). Based on the evidence outlined above, the variant was classified as likely pathogenic.

Institute of Human Genetics, Polish Academy of Sciences
Classification: Uncertain significance for Keratoconus. Last evaluated: 2018-02-18. Review status: no assertion criteria provided. Collection method: research. Allele origin: unknown. Affected: yes. Not counted in ClinVar's aggregate classification.

OMIM
Classification: Pathogenic for OSTEOGENESIS IMPERFECTA, TYPE XV. Last evaluated: 2013-05-01. Review status: no assertion criteria provided. Collection method: literature only. Allele origin: germline. Not counted in ClinVar's aggregate classification.

Literature cited by the submitters: PubMed 27509835 (cited by Women's Health and Genetics/Laboratory Corporation of America, LabCorp); PubMed 23434763 (cited by Women's Health and Genetics/Laboratory Corporation of America, LabCorp and OMIM); PubMed 25010833 (cited by Women's Health and Genetics/Laboratory Corporation of America, LabCorp).

NM_005430.4(WNT1):c.1063G>T (p.Val355Phe)

Gene: WNT1 (Wnt family member 1; plus strand). Cytogenetic location: 12q13.12.
Variant type: single nucleotide variant.
Coding change: c.1063G>T on transcript NM_005430.4 (MANE Select); coding-DNA position 1063, G replaced by T.
Protein change: p.Val355Phe; replaces valine 355 with phenylalanine.
Molecular consequence: missense variant.
Genome position (GRCh38, 1-based): chr12:48,981,590, G>T. VCF-style: chr12-48981590-G-T. GRCh37 (hg19) VCF-style: chr12-49375373-G-T.
Other names: short protein forms V355F.
Identifiers: ClinVar variation 50262 (VCV000050262.3), dbSNP rs387907358, ClinGen allele CA143728.